The following is an entry in ClinVar:

ClinVar aggregate classification (germline): Uncertain significance. Review status: criteria provided, multiple submitters, no conflicts (2 of 4 stars). 2 submissions from 2 submitters: Uncertain significance (2). Last evaluated 2025-10-27.

Conditions:
Familial thoracic aortic aneurysm and aortic dissection (TAAD). Also called: Thoracic aortic aneurysms and dissections. Identifiers: Orphanet 91387, MedGen C4707243, MONDO:0019625.

Allele frequency attached by ClinVar (database versions not stated): gnomAD exomes below 0.00001 and 0.00001; ExAC 0.00001; gnomAD 0.00001.
gnomAD v4.1: 6 of 1,611,826 alleles (0.00037%); highest among the groups gnomAD compares: Non-Finnish European, 0.00051%; no homozygotes.

Submissions (2):

Ambry Genetics
Classification: Uncertain significance for Familial thoracic aortic aneurysm and aortic dissection. Last evaluated: 2025-10-27. Review status: criteria provided, single submitter. Criteria: Ambry Variant Classification Scheme 2023. Collection method: clinical testing. Allele origin: germline.
Comment: The p.A248T variant (also known as c.742G>A), located in coding exon 4 of the TGFB2 gene, results from a G to A substitution at nucleotide position 742. The alanine at codon 248 is replaced by threonine, an amino acid with similar properties. This amino acid position is conserved. In addition, this alteration is predicted to be tolerated by in silico analysis. Based on the available evidence, the clinical significance of this variant remains unclear.

GeneDx
Classification: Uncertain significance. Last evaluated: 2021-04-07. Review status: criteria provided, single submitter. Criteria: GeneDx Variant Classification Process June 2021. Collection method: clinical testing. Allele origin: germline. Affected: yes.
Comment: Has not been previously published as pathogenic or benign to our knowledge; Not observed at a significant frequency in large population cohorts (Lek et al., 2016); In silico analysis supports that this missense variant does not alter protein structure/function

NM_003238.6(TGFB2):c.742G>A (p.Ala248Thr)

Gene: TGFB2 (transforming growth factor beta 2; plus strand). Cytogenetic location: 1q41.
Variant type: single nucleotide variant.
Coding change: c.742G>A on transcript NM_003238.6 (MANE Select); coding-DNA position 742, G replaced by A.
Protein change: p.Ala248Thr; replaces alanine 248 with threonine.
Molecular consequence: missense variant. On other transcripts: non-coding transcript variant (2).
Genome position (GRCh38, 1-based): chr1:218,434,436, G>A. VCF-style: chr1-218434436-G-A. GRCh37 (hg19) VCF-style: chr1-218607778-G-A.
Other names: c.826G>A, p.Ala276Thr (NM_001135599.4); short protein forms A248T, A276T.
Identifiers: ClinVar variation 1314513 (VCV001314513.5), dbSNP rs778265133, ClinGen allele CA1398587.